The following is an entry in ClinVar:

NM_000334.4(SCN4A):c.2647C>T (p.Pro883Ser)

Genes: GH-LCR (growth hormone locus control region; plus strand), SCN4A (sodium voltage-gated channel alpha subunit 4; minus strand). Cytogenetic location: 17q23.3.
Variant type: single nucleotide variant.
Coding change: c.2647C>T on transcript NM_000334.4 (MANE Select); coding-DNA position 2647, C replaced by T.
Protein change: p.Pro883Ser; replaces proline 883 with serine.
Molecular consequence: missense variant.
Genome position (GRCh38, 1-based): chr17:63,951,630, G>A on the plus strand (C>T on the coding strand, the complement: SCN4A is on the minus strand). VCF-style: chr17-63951630-G-A. GRCh37 (hg19) VCF-style: chr17-62028990-G-A.
Other names: short protein forms P883S.
Identifiers: ClinVar variation 946199 (VCV000946199.10), dbSNP rs1908913430, ClinGen allele CA400626098.
Genomic context (GRCh38, chr17:63,951,630, plus strand): 5'-GGCCGTCAGCCAGGCCCATGTGGTTCAGGATGTGATTGTCCTTCTTCAGGTCCTCCTCGG[G>A]CGGCTCCTTCTTCTCATCCTCGGGGGCAGTCTCCCCCGCCTCTCCAGCCTCCCCGGCCCC-3'
Protein context (NP_000325.4, residues 873-893): TAPEDEKKEP[Pro883Ser]EEDLKKDNHI

ClinVar aggregate classification (germline): Uncertain significance (1 of 4 stars; one submission).

Conditions:
Hyperkalemic periodic paralysis. Also called: Familial hyperkalemic periodic paralysis; Gamstorp disease. Identifiers: Orphanet 682, MedGen C0238357, MONDO:0008224, OMIM 170500, HP:0007215.

Allele frequency attached by ClinVar (database versions not stated): TOPMed below 0.00001.

Submission:

Labcorp Genetics (formerly Invitae), Labcorp
Classification: Uncertain significance for Hyperkalemic periodic paralysis. Last evaluated: 2022-08-13. Review status: criteria provided, single submitter. Criteria: Invitae Variant Classification Sherloc (09022015). Collection method: clinical testing. Allele origin: germline.
Comment: This sequence change replaces proline, which is neutral and non-polar, with serine, which is neutral and polar, at codon 883 of the SCN4A protein (p.Pro883Ser). Algorithms developed to predict the effect of missense changes on protein structure and function (SIFT, PolyPhen-2, Align-GVGD) all suggest that this variant is likely to be tolerated. ClinVar contains an entry for this variant (Variation ID: 946199). This variant has not been reported in the literature in individuals affected with SCN4A-related conditions. This variant is not present in population databases (gnomAD no frequency). In summary, the available evidence is currently insufficient to determine the role of this variant in disease. Therefore, it has been classified as a Variant of Uncertain Significance.